The following is an entry in ClinVar:

NM_020632.3(ATP6V0A4):c.2296G>A (p.Gly766Ser)

Gene: ATP6V0A4 (ATPase H+ transporting V0 subunit a4; minus strand). Cytogenetic location: 7q34.
Variant type: single nucleotide variant.
Coding change: c.2296G>A on transcript NM_020632.3 (MANE Select); coding-DNA position 2296, G replaced by A.
Protein change: p.Gly766Ser; replaces glycine 766 with serine.
Molecular consequence: missense variant.
Genome position (GRCh38, 1-based): chr7:138,709,757, C>T on the plus strand (G>A on the coding strand, the complement: ATP6V0A4 is on the minus strand). VCF-style: chr7-138709757-C-T. GRCh37 (hg19) VCF-style: chr7-138394502-C-T.
Other names: c.2296G>A, p.Gly766Ser (NM_130840.3, NM_130841.3); short protein forms G766S.
Identifiers: ClinVar variation 840914 (VCV000840914.7), dbSNP rs190792699, ClinGen allele CA4504458.

ClinVar aggregate classification (germline): Uncertain significance. Review status: criteria provided, multiple submitters, no conflicts (2 of 4 stars). 4 submissions from 4 submitters: Uncertain significance (4). Last evaluated 2024-12-04.

Conditions:
Renal tubular acidosis, distal, 3, with or without sensorineural hearing loss (DRTA3). Identifiers: MedGen C5399980, MONDO:0011268, OMIM 602722.
Inborn genetic diseases. Identifiers: MedGen C0950123, MeSH D030342.

Allele frequency attached by ClinVar (database versions not stated): gnomAD exomes 0.00002 and 0.00009; TOPMed 0.00005; ExAC 0.00006; gnomAD 0.00008; 1000 Genomes Project 30x 0.00016; 1000 Genomes Project 0.00020.
gnomAD v4.1: 41 of 1,614,046 alleles (0.0025%); highest among the groups gnomAD compares: Admixed American, 0.043%; no homozygotes.

Submissions (4):

Ambry Genetics
Classification: Uncertain significance for Inborn genetic diseases. Last evaluated: 2024-12-04. Review status: criteria provided, single submitter. Criteria: Ambry Variant Classification Scheme 2023. Collection method: clinical testing. Allele origin: germline.

Fulgent Genetics
Classification: Uncertain significance for Renal tubular acidosis, distal, 3, with or without sensorineural hearing loss. Last evaluated: 2022-05-26. Review status: criteria provided, single submitter. Criteria: ACMG Guidelines, 2015. Collection method: clinical testing. Allele origin: unknown.

Labcorp Genetics (formerly Invitae), Labcorp
Classification: Uncertain significance. Last evaluated: 2021-08-27. Review status: criteria provided, single submitter. Criteria: Invitae Variant Classification Sherloc (09022015). Collection method: clinical testing. Allele origin: germline.
Comment: This sequence change replaces glycine with serine at codon 766 of the ATP6V0A4 protein (p.Gly766Ser). The glycine residue is highly conserved and there is a small physicochemical difference between glycine and serine. This variant is present in population databases (rs190792699, ExAC 0.05%). This variant has not been reported in the literature in individuals affected with ATP6V0A4-related conditions. Algorithms developed to predict the effect of missense changes on protein structure and function are either unavailable or do not agree on the potential impact of this missense change (SIFT: "Deleterious"; PolyPhen-2: "Probably Damaging"; Align-GVGD: "Class C0"). In summary, the available evidence is currently insufficient to determine the role of this variant in disease. Therefore, it has been classified as a Variant of Uncertain Significance.

Blueprint Genetics
Classification: Uncertain significance. Last evaluated: 2020-07-28. Review status: criteria provided, single submitter. Criteria: ACMG Guidelines, 2015. Collection method: clinical testing. Allele origin: germline.